The following is an entry in ClinVar:

NM_001851.6(COL9A1):c.1719+2T>C

Gene: COL9A1 (collagen type IX alpha 1 chain; minus strand). Cytogenetic location: 6q13.
Variant type: single nucleotide variant.
Coding change: c.1719+2T>C on transcript NM_001851.6 (MANE Select); the canonical splice donor site of the intron after coding-DNA position 1719, T replaced by C.
Molecular consequence: splice donor variant.
Genome position (GRCh38, 1-based): chr6:70,254,474, A>G on the plus strand (T>C on the coding strand, the complement: COL9A1 is on the minus strand). VCF-style: chr6-70254474-A-G. GRCh37 (hg19) VCF-style: chr6-70964177-A-G.
Other names: c.990+2T>C (NM_001377290.1, NM_078485.4); c.1020+2T>C (NM_001377289.1).
Identifiers: ClinVar variation 1705234 (VCV001705234.1), dbSNP rs2483312174, ClinGen allele CA364677542.

ClinVar aggregate classification (germline): Likely pathogenic (1 of 4 stars; one submission).

Conditions:
COL9A1-related disorder. Also called: COL9A1-related condition; COL9A1-related disorders.

Submission:

Women's Health and Genetics/Laboratory Corporation of America, LabCorp
Classification: Likely pathogenic for COL9A1-Related Disorders. Last evaluated: 2022-08-29. Review status: criteria provided, single submitter. Criteria: LabCorp Variant Classification Summary - May 2015. Collection method: clinical testing. Allele origin: germline.
Comment: Variant summary: COL9A1 c.1719+2T>C is located in a canonical splice-site and is predicted to affect mRNA splicing resulting in a significantly altered protein due to either exon skipping, shortening, or inclusion of intronic material. Several computational tools predict a significant impact on normal splicing: three predict the variant abolishes a 5 prime splicing donor site, one predicts the variant no significant impact on splicing. However, these predictions have yet to be confirmed by functional studies. The variant was absent in 251392 control chromosomes. To our knowledge, no occurrence of c.1719+2T>C in individuals affected with COL9A1-Related Disorders and no experimental evidence demonstrating its impact on protein function have been reported. No clinical diagnostic laboratories have submitted clinical-significance assessments for this variant to ClinVar after 2014. Based on the evidence outlined above, the variant was classified as likely pathogenic.